The following is an entry in ClinVar:

NM_005591.4(MRE11):c.112G>C (p.Val38Leu)

Gene: MRE11 (MRE11 double strand break repair nuclease; minus strand). Cytogenetic location: 11q21.
Variant type: single nucleotide variant.
Coding change: c.112G>C on transcript NM_005591.4 (MANE Select); coding-DNA position 112, G replaced by C.
Protein change: p.Val38Leu; replaces valine 38 with leucine.
Molecular consequence: missense variant.
Genome position (GRCh38, 1-based): chr11:94,490,874, C>G on the plus strand (G>C on the coding strand, the complement: MRE11 is on the minus strand). VCF-style: chr11-94490874-C-G. GRCh37 (hg19) VCF-style: chr11-94224040-C-G.
Other names: c.112G>C, p.Val38Leu (NM_001330347.2, NM_005590.4); short protein forms V38L.
Identifiers: ClinVar variation 1055516 (VCV001055516.9), dbSNP rs786202896, ClinGen allele CA382380718.

ClinVar aggregate classification (germline): Uncertain significance (1 of 4 stars; one submission).

Conditions:
Ataxia-telangiectasia-like disorder (ATLD). Identifiers: MedGen C1858391, MONDO:0011457.

Submission:

Labcorp Genetics (formerly Invitae), Labcorp
Classification: Uncertain significance for Ataxia-telangiectasia-like disorder. Last evaluated: 2024-04-30. Review status: criteria provided, single submitter. Criteria: Invitae Variant Classification Sherloc (09022015). Collection method: clinical testing. Allele origin: germline.
Comment: This sequence change replaces valine, which is neutral and non-polar, with leucine, which is neutral and non-polar, at codon 38 of the MRE11 protein (p.Val38Leu). This variant is not present in population databases (gnomAD no frequency). This variant has not been reported in the literature in individuals affected with MRE11-related conditions. ClinVar contains an entry for this variant (Variation ID: 1055516). An algorithm developed to predict the effect of missense changes on protein structure and function (PolyPhen-2) suggests that this variant is likely to be tolerated. In summary, the available evidence is currently insufficient to determine the role of this variant in disease. Therefore, it has been classified as a Variant of Uncertain Significance.